The following is an entry in ClinVar:

NM_170606.3(KMT2C):c.10763C>T (p.Ser3588Leu)

Gene: KMT2C (lysine methyltransferase 2C; minus strand). Cytogenetic location: 7q36.1.
Variant type: single nucleotide variant.
Coding change: c.10763C>T on transcript NM_170606.3 (MANE Select); coding-DNA position 10763, C replaced by T.
Protein change: p.Ser3588Leu; replaces serine 3588 with leucine.
Molecular consequence: missense variant.
Genome position (GRCh38, 1-based): chr7:152,162,814, G>A on the plus strand (C>T on the coding strand, the complement: KMT2C is on the minus strand). VCF-style: chr7-152162814-G-A. GRCh37 (hg19) VCF-style: chr7-151859899-G-A.
Other names: c.10763C>T (NM_170606.2); short protein forms S3588L.
Identifiers: ClinVar variation 134789 (VCV000134789.42), dbSNP rs148585727, ClinGen allele CA160747.

ClinVar aggregate classification (germline): Benign. Review status: criteria provided, multiple submitters, no conflicts (2 of 4 stars). 4 submissions from 4 submitters: Benign (2). 2 of the submissions do not count toward it. Last evaluated 2026-02-01.

Conditions:
KMT2C-related disorder. Also called: KMT2C-related condition; KMT2C-related disorders.

Allele frequency attached by ClinVar (database versions not stated): 1000 Genomes Project 30x 0.00047; 1000 Genomes Project 0.00060; TOPMed 0.00228; ExAC 0.00253; gnomAD exomes 0.00268 and 0.00317; gnomAD 0.00295 and 0.00284; ESP Exome Variant Server 0.00269.
gnomAD v4.1: 5,030 of 1,614,094 alleles (0.31%); highest among the groups gnomAD compares: Non-Finnish European, 0.35%; 17 homozygotes.

Submissions (4):

CeGaT Center for Human Genetics Tuebingen
Classification: Benign. Last evaluated: 2026-02-01. Review status: criteria provided, single submitter. Criteria: CeGaT Center For Human Genetics Tuebingen Variant Classification Criteria Version 2. Collection method: clinical testing. Allele origin: germline. Affected: yes. Observed: 27 variant alleles.
Comment: KMT2C: BS1, BS2

Labcorp Genetics (formerly Invitae), Labcorp
Classification: Benign. Last evaluated: 2026-01-12. Review status: criteria provided, single submitter. Criteria: Invitae Variant Classification Sherloc (09022015). Collection method: clinical testing. Allele origin: germline.

PreventionGenetics, part of Exact Sciences
Classification: Likely benign for KMT2C-related condition. Last evaluated: 2023-12-28. Review status: no assertion criteria provided. Collection method: clinical testing. Allele origin: germline. Not counted in ClinVar's aggregate classification.
Comment: This variant is classified as likely benign based on ACMG/AMP sequence variant interpretation guidelines (Richards et al. 2015 PMID: 25741868, with internal and published modifications).

ITMI
No classification provided. Condition: AllHighlyPenetrant. Last evaluated: 2013-09-19. Review status: no classification provided. Collection method: reference population. Allele origin: germline. Not counted in ClinVar's aggregate classification.
Comment: Please see associated publication for description of ethnicities

Literature cited by the submitters: PubMed 24728327 (cited by ITMI).